The following is an entry in ClinVar:

NM_000123.4(ERCC5):c.2620G>A (p.Ala874Thr)

Genes: BIVM-ERCC5 (BIVM-ERCC5 readthrough; plus strand), ERCC5 (ERCC excision repair 5, endonuclease; plus strand). Cytogenetic location: 13q33.1.
Variant type: single nucleotide variant.
Coding change: c.2620G>A on transcript NM_000123.4 (MANE Select); coding-DNA position 2620, G replaced by A.
Protein change: p.Ala874Thr; replaces alanine 874 with threonine.
Molecular consequence: missense variant.
Genome position (GRCh38, 1-based): chr13:102,868,199, G>A. VCF-style: chr13-102868199-G-A. GRCh37 (hg19) VCF-style: chr13-103520549-G-A.
Other names: c.3982G>A, p.Ala1328Thr (NM_001204425.2); short protein forms A874T, A1328T.
Identifiers: ClinVar variation 16577 (VCV000016577.9), dbSNP rs121434576, ClinGen allele CA257537.
Genomic context (GRCh38, chr13:102,868,199, plus strand): 5'-TTGGCTTATTTGCTTGGAAGTGATTATACCGAAGGAATACCAACTGTGGGTTGTGTAACC[G>A]CCATGGAAATTCTCAATGAATTCCCTGGGCATGGCCTGGAACCTCTCCTAAAATTCTCGT-3'
Protein context (NP_000114.3, residues 864-884): EGIPTVGCVT[Ala874Thr]MEILNEFPGH

ClinVar aggregate classification (germline): Uncertain significance. Review status: criteria provided, multiple submitters, no conflicts (2 of 4 stars). 3 submissions from 3 submitters: Uncertain significance (2). 1 of the submissions does not count toward it. Last evaluated 2025-03-24.

Conditions:
Inborn genetic diseases. Identifiers: MedGen C0950123, MeSH D030342.
Xeroderma pigmentosum, group G (XPG). Also called: XERODERMA PIGMENTOSUM VII; XP, GROUP G; Xeroderma pigmentosum type 7; ERCC5-Related Xeroderma Pigmentosum. Identifiers: MedGen C0268141, MONDO:0010216, OMIM 278780.

Allele frequency attached by ClinVar (database versions not stated): ExAC 0.00002; gnomAD exomes 0.00002 and 0.00004; gnomAD 0.00003 and 0.00004; TOPMed 0.00005; ESP Exome Variant Server 0.00008.

Submissions (3):

Women's Health and Genetics/Laboratory Corporation of America, LabCorp
Classification: Uncertain significance. Last evaluated: 2025-03-24. Review status: criteria provided, single submitter. Criteria: LabCorp Variant Classification Summary - May 2015. Collection method: clinical testing. Allele origin: germline.
Comment: Variant summary: ERCC5 c.2620G>A (p.Ala874Thr) results in a non-conservative amino acid change in the encoded protein sequence. Five of five in-silico tools predict a damaging effect of the variant on protein function. The variant allele was found at a frequency of 2.4e-05 in 251456 control chromosomes. c.2620G>A has been reported in the literature in a compound heterozygous individual who carried a truncating variant in trans, and was affected with a milder phenotype (i.e. sun sensitivity but no neurological abnormalities) of Xeroderma Pigmentosum (example: Emmert_2002). These data do not allow clear conclusions about variant significance. However, publications also reported experimental evidence evaluating an impact on protein function, and demonstrated markedly decreased but significant residual activity for the variant protein (example: Emmert_2002, Tsutakawa_2020), which is consistent with the milder phenotype. The following publications have been ascertained in the context of this evaluation (PMID: 12060391,32522879). ClinVar contains an entry for this variant (Variation ID: 16577). Based on the evidence outlined above, the variant was classified as VUS-possibly pathogenic.

Ambry Genetics
Classification: Uncertain significance for Inborn genetic diseases. Last evaluated: 2022-05-02. Review status: criteria provided, single submitter. Criteria: Ambry Variant Classification Scheme 2023. Collection method: clinical testing. Allele origin: germline.

OMIM
Classification: Pathogenic for XERODERMA PIGMENTOSUM, COMPLEMENTATION GROUP G. Last evaluated: 2002-06-01. Review status: no assertion criteria provided. Collection method: literature only. Allele origin: germline. Not counted in ClinVar's aggregate classification.

Literature cited by the submitters: PubMed 23255472 (cited by Women's Health and Genetics/Laboratory Corporation of America, LabCorp); PubMed 12060391 (cited by 3 submitters); PubMed 23370536 (cited by Women's Health and Genetics/Laboratory Corporation of America, LabCorp); PubMed 32522879 (cited by Women's Health and Genetics/Laboratory Corporation of America, LabCorp); PubMed 25795128 (cited by Women's Health and Genetics/Laboratory Corporation of America, LabCorp); PubMed 26149386 (cited by Women's Health and Genetics/Laboratory Corporation of America, LabCorp).